The following is an entry in ClinVar:

ClinVar aggregate classification (germline): Benign. Review status: criteria provided, multiple submitters, no conflicts (2 of 4 stars). 2 submissions from 2 submitters: Benign (2). Last evaluated 2018-06-18.

Allele frequency attached by ClinVar (database versions not stated): gnomAD exomes 0.07531; gnomAD 0.19490 and 0.20413; 1000 Genomes Project 0.21226; TOPMed 0.21390; 1000 Genomes Project 30x 0.22502.
gnomAD v4.1: 128,580 of 1,451,546 alleles (8.9%); highest among the groups gnomAD compares: African/African-American, 53%; 13,770 homozygotes.

Submissions (2):

GeneDx
Classification: Benign. Last evaluated: 2018-06-18. Review status: criteria provided, single submitter. Criteria: GeneDx Variant Classification (06012015). Collection method: clinical testing. Allele origin: germline. Affected: yes.
Comment: This variant is considered likely benign or benign based on one or more of the following criteria: it is a conservative change, it occurs at a poorly conserved position in the protein, it is predicted to be benign by multiple in silico algorithms, and/or has population frequency not consistent with disease.

Breakthrough Genomics
Classification: Benign. Review status: criteria provided, single submitter. Criteria: ACMG Guidelines, 2015. Collection method: not provided. Allele origin: germline. Inheritance: Autosomal recessive inheritance. Affected: yes.

NM_020631.6(PLEKHG5):c.3012-113G>A

Gene: PLEKHG5 (pleckstrin homology and RhoGEF domain containing G5; minus strand). Cytogenetic location: 1p36.31.
Variant type: single nucleotide variant.
Coding change: c.3012-113G>A on transcript NM_020631.6 (MANE Select); 113 bases into the intron before coding-DNA position 3012, G replaced by A.
Molecular consequence: intron variant.
Genome position (GRCh38, 1-based): chr1:6,467,685, C>T on the plus strand (G>A on the coding strand, the complement: PLEKHG5 is on the minus strand). VCF-style: chr1-6467685-C-T. GRCh37 (hg19) VCF-style: chr1-6527745-C-T.
Other names: c.3012-113G>A (NM_198681.4, NM_001042664.2, NM_001042665.2); c.3123-113G>A (NM_001042663.3, NM_001265592.2); c.*19-113G>A (NM_001265594.3); c.3219-113G>A (NM_001265593.2).
Identifiers: ClinVar variation 667940 (VCV000667940.2), dbSNP rs9435269, ClinGen allele CA10798737.